The following is an entry in ClinVar:

NM_052989.3(IFT122):c.2926A>G (p.Asn976Asp)

Gene: IFT122 (intraflagellar transport 122; plus strand). Cytogenetic location: 3q22.1.
Variant type: single nucleotide variant.
Coding change: c.2926A>G on transcript NM_052989.3 (MANE Select); coding-DNA position 2926, A replaced by G.
Protein change: p.Asn976Asp; replaces asparagine 976 with aspartic acid.
Molecular consequence: missense variant.
Genome position (GRCh38, 1-based): chr3:129,512,351, A>G. VCF-style: chr3-129512351-A-G. GRCh37 (hg19) VCF-style: chr3-129231194-A-G.
Other names: c.2905A>G, p.Asn969Asp (NM_001280541.2); c.2476A>G, p.Asn826Asp (NM_001280545.2); c.2299A>G, p.Asn767Asp (NM_001280546.2); c.2929A>G, p.Asn977Asp (NM_001410808.1); c.2872A>G, p.Asn958Asp (NM_001410809.1); c.2752A>G, p.Asn918Asp (NM_001410810.1); c.2698A>G, p.Asn900Asp (NM_001410811.1); c.2695A>G, p.Asn899Asp (NM_001410813.1); and 5 more; short protein forms N1027D, N767D, N826D, N848D, N865D, N866D, N899D, N900D.
Identifiers: ClinVar variation 3363288 (VCV003363288.1).
Genomic context (GRCh38, chr3:129,512,351, plus strand): 5'-TTTGCTTTTCTCTCACTGCAGGAAGATCCGTTCAGTGTCCATCGTCCTGAAACTCTTTTC[A>G]ACATCTCCAGGTTCCTGCTGCACAGCCTGCCCAAGGACACCCCCTCGGGCATCTCTAAAG-3'
Protein context (NP_443715.1, residues 966-986): FSVHRPETLF[Asn976Asp]ISRFLLHSLP

ClinVar aggregate classification (germline): Uncertain significance (1 of 4 stars; one submission).

gnomAD v4.1: 4 of 1,614,150 alleles (0.00025%); highest among the groups gnomAD compares: Admixed American, 0.0033%; no homozygotes.

Submission:

GeneDx
Classification: Uncertain significance. Last evaluated: 2023-10-20. Review status: criteria provided, single submitter. Criteria: GeneDx Variant Classification Process June 2021. Collection method: clinical testing. Allele origin: germline. Affected: yes.
Comment: In silico analysis supports that this missense variant has a deleterious effect on protein structure/function; Has not been previously published as pathogenic or benign to our knowledge